The following is an entry in ClinVar:

ClinVar aggregate classification (germline): Uncertain significance (1 of 4 stars; one submission).

Conditions:
Spermatogenic failure 18. Identifiers: MedGen C4539783, MONDO:0054615, OMIM 617576.
Ciliary dyskinesia, primary, 37 (CILD37). Also called: CILIARY DYSKINESIA, PRIMARY, 37, WITH OR WITHOUT SITUS INVERSUS. Identifiers: MedGen C4539798, MONDO:0033204, OMIM 617577.

Allele frequency attached by ClinVar (database versions not stated): gnomAD 0.00001; gnomAD exomes 0.00004 and 0.00007; ExAC 0.00007.
gnomAD v4.1: 59 of 1,612,990 alleles (0.0037%); highest among the groups gnomAD compares: South Asian, 0.058%; 1 homozygote.

Submission:

Labcorp Genetics (formerly Invitae), Labcorp
Classification: Uncertain significance for Ciliary dyskinesia, primary, 37; Spermatogenic failure 18. Last evaluated: 2024-10-22. Review status: criteria provided, single submitter. Criteria: Invitae Variant Classification Sherloc (09022015). Collection method: clinical testing. Allele origin: germline.
Comment: This sequence change replaces lysine, which is basic and polar, with arginine, which is basic and polar, at codon 749 of the DNAH1 protein (p.Lys749Arg). This variant is present in population databases (rs768573779, gnomAD 0.06%). This variant has not been reported in the literature in individuals affected with DNAH1-related conditions. ClinVar contains an entry for this variant (Variation ID: 961952). Invitae Evidence Modeling of protein sequence and biophysical properties (such as structural, functional, and spatial information, amino acid conservation, physicochemical variation, residue mobility, and thermodynamic stability) indicates that this missense variant is not expected to disrupt DNAH1 protein function with a negative predictive value of 80%. In summary, the available evidence is currently insufficient to determine the role of this variant in disease. Therefore, it has been classified as a Variant of Uncertain Significance.

NM_015512.5(DNAH1):c.2246A>G (p.Lys749Arg)

Gene: DNAH1 (dynein axonemal heavy chain 1; plus strand). Cytogenetic location: 3p21.1.
Variant type: single nucleotide variant.
Coding change: c.2246A>G on transcript NM_015512.5 (MANE Select); coding-DNA position 2246, A replaced by G.
Protein change: p.Lys749Arg; replaces lysine 749 with arginine.
Molecular consequence: missense variant.
Genome position (GRCh38, 1-based): chr3:52,349,027, A>G. VCF-style: chr3-52349027-A-G. GRCh37 (hg19) VCF-style: chr3-52383043-A-G.
Other names: short protein forms K749R.
Identifiers: ClinVar variation 961952 (VCV000961952.6), dbSNP rs768573779, ClinGen allele CA2433187.